The following is an entry in ClinVar:

NM_000135.4(FANCA):c.3293A>G (p.Glu1098Gly)

Gene: FANCA (FA complementation group A; minus strand). Cytogenetic location: 16q24.3.
Variant type: single nucleotide variant.
Coding change: c.3293A>G on transcript NM_000135.4 (MANE Select); coding-DNA position 3293, A replaced by G.
Protein change: p.Glu1098Gly; replaces glutamic acid 1098 with glycine.
Molecular consequence: missense variant.
Genome position (GRCh38, 1-based): chr16:89,748,714, T>C on the plus strand (A>G on the coding strand, the complement: FANCA is on the minus strand). VCF-style: chr16-89748714-T-C. GRCh37 (hg19) VCF-style: chr16-89815122-T-C.
Other names: c.3293A>G, p.Glu1098Gly (NM_001286167.3); short protein forms E1098G.
Identifiers: ClinVar variation 1926589 (VCV001926589.7), dbSNP rs772633264, ClinGen allele CA8251241.

ClinVar aggregate classification (germline): Conflicting classifications of pathogenicity. Review status: criteria provided, conflicting classifications (1 of 4 stars). 3 submissions from 3 submitters: Uncertain significance (2); Likely benign (1). Last evaluated 2025-11-10.

Conditions:
Inborn genetic diseases. Identifiers: MedGen C0950123, MeSH D030342.
Fanconi anemia (FA). Also called: Fanconi's anemia. Identifiers: Orphanet 84, MedGen C0015625, MeSH D005199, MONDO:0019391.
Fanconi anemia complementation group A (FANCA). Also called: Fanconi anemia, group A; FANCA-Related Fanconi Anemia. Identifiers: Orphanet 84, MedGen C3469521, MONDO:0009215, OMIM 227650.

Allele frequency attached by ClinVar (database versions not stated): gnomAD 0.00001; gnomAD exomes 0.00001; ExAC 0.00003.
gnomAD v4.1: 18 of 1,614,024 alleles (0.0011%); highest among the groups gnomAD compares: South Asian, 0.02%; no homozygotes.

Submissions (3):

Ambry Genetics
Classification: Uncertain significance for Inborn genetic diseases. Last evaluated: 2025-11-10. Review status: criteria provided, single submitter. Criteria: Ambry Variant Classification Scheme 2023. Collection method: clinical testing. Allele origin: germline.
Comment: The p.E1098G variant (also known as c.3293A>G), located in coding exon 33 of the FANCA gene, results from an A to G substitution at nucleotide position 3293. The glutamic acid at codon 1098 is replaced by glycine, an amino acid with similar properties. This amino acid position is conserved. In addition, this alteration is predicted to be tolerated by in silico analysis. Based on the available evidence, the clinical significance of this variant remains unclear.

Fulgent Genetics
Classification: Uncertain significance for Fanconi anemia complementation group A. Last evaluated: 2024-03-01. Review status: criteria provided, single submitter. Criteria: ACMG Guidelines, 2015. Collection method: clinical testing. Allele origin: germline.

Labcorp Genetics (formerly Invitae), Labcorp
Classification: Likely benign for Fanconi anemia. Last evaluated: 2024-02-29. Review status: criteria provided, single submitter. Criteria: Invitae Variant Classification Sherloc (09022015). Collection method: clinical testing. Allele origin: germline.